The following is an entry in ClinVar:

NM_005027.4(PIK3R2):c.322G>A (p.Gly108Ser)

Gene: PIK3R2 (phosphoinositide-3-kinase regulatory subunit 2; plus strand). Cytogenetic location: 19p13.11.
Variant type: single nucleotide variant.
Coding change: c.322G>A on transcript NM_005027.4 (MANE Select); coding-DNA position 322, G replaced by A.
Protein change: p.Gly108Ser; replaces glycine 108 with serine.
Molecular consequence: missense variant. On other transcripts: non-coding transcript variant (2).
Genome position (GRCh38, 1-based): chr19:18,156,201, G>A. VCF-style: chr19-18156201-G-A. GRCh37 (hg19) VCF-style: chr19-18267011-G-A.
Other names: short protein forms G108S.
Identifiers: ClinVar variation 4534370 (VCV004534370.6).
Genomic context (GRCh38, chr19:18,156,201, plus strand): 5'-CCTCGCCCACGGGGCCCCCGCCCACTGCCCGCCAGGCCCCGTGATGGGGCCCCTGAGCCA[G>A]GTGAGCAGCAAGCAGGGGCCCTGGAAAGGGGGGTGGTCCCCTCAGACCCTTGGTCTCCTC-3'
Protein context (NP_005018.2, residues 98-118): ARPRDGAPEP[Gly108Ser]LTLPDLPEQF

ClinVar aggregate classification (germline): Uncertain significance (1 of 4 stars; one submission).

gnomAD v4.1: 8 of 1,467,754 alleles (0.00055%); highest among the groups gnomAD compares: South Asian, 0.01%; no homozygotes.

Submission:

CeGaT Center for Human Genetics Tuebingen
Classification: Uncertain significance. Last evaluated: 2025-10-01. Review status: criteria provided, single submitter. Criteria: CeGaT Center For Human Genetics Tuebingen Variant Classification Criteria Version 2. Collection method: clinical testing. Allele origin: germline. Affected: yes. Observed: 1 variant allele.
Comment: PIK3R2: PP3